The following is an entry in ClinVar:

NM_000363.5(TNNI3):c.549+4_549+7del

Gene: TNNI3 (troponin I3, cardiac type; minus strand). Cytogenetic location: 19q13.42.
Variant type: Deletion.
Coding change: c.549+4_549+7del on transcript NM_000363.5 (MANE Select); bases 4 to 7 of the intron after coding-DNA position 549, 4 bases deleted (AGTG; older notation c.549+4_549+7delAGTG).
Molecular consequence: splice donor variant.
Genome position (GRCh38, 1-based): chr19:55,154,023-55,154,026, CACT deleted on the plus strand (AGTG on the coding strand, the reverse complement: TNNI3 is on the minus strand); deleting any 4 consecutive bases within chr19:55,154,023-55,154,029 gives the same sequence; the c. name uses the placement nearest the transcript's 3' end. VCF-style (leftmost placement, unchanged base first): chr19-55154022-ACACT-A. GRCh37 (hg19) VCF-style: chr19-55665390-ACACT-A.
Identifiers: ClinVar variation 1747856 (VCV001747856.4), dbSNP rs2515498193, ClinGen allele CA2580097803.

ClinVar aggregate classification (germline): Uncertain significance. Review status: criteria provided, multiple submitters, no conflicts (2 of 4 stars). 2 submissions from 2 submitters: Uncertain significance (2). Last evaluated 2026-05-19.

Conditions:
Cardiovascular phenotype. Identifiers: MedGen CN230736.
Hypertrophic cardiomyopathy. Also called: HYPERTROPHIC MYOCARDIOPATHY. Identifiers: Orphanet 217569, MedGen C0007194, MeSH D002312, MONDO:0005045, HP:0001639.

Submissions (2):

Ambry Genetics
Classification: Uncertain significance for Cardiovascular phenotype. Last evaluated: 2026-05-19. Review status: criteria provided, single submitter. Criteria: Ambry Variant Classification Scheme 2023. Collection method: clinical testing. Allele origin: germline.
Comment: The c.549+4_549+7delAGTG intronic variant, located in intron 7 of the TNNI3 gene, results from a deletion of 4 nucleotides within intron 7 of the TNNI3 gene. These nucleotide positions are well conserved in available vertebrate species. In silico splice site analysis predicts that this alteration will result in the creation or strengthening of a novel splice donor site. RNA studies have demonstrated that this variant results in a transcript predicted to lead to a protein with an in-frame deletion of 8 amino acids; however, the exact functional impact of the deleted amino acids is unknown at this time (Ambry internal data). Since supporting evidence is limited at this time, the clinical significance of this alteration remains unclear.

Labcorp Genetics (formerly Invitae), Labcorp
Classification: Uncertain significance for Hypertrophic cardiomyopathy. Last evaluated: 2025-11-21. Review status: criteria provided, single submitter. Criteria: Invitae Variant Classification Sherloc (09022015). Collection method: clinical testing. Allele origin: germline.
Comment: This sequence change falls in intron 7 of the TNNI3 gene. It does not directly change the encoded amino acid sequence of the TNNI3 protein. It affects a nucleotide within the consensus splice site. This variant is not present in population databases (gnomAD no frequency). This variant has not been reported in the literature in individuals affected with TNNI3-related conditions. ClinVar contains an entry for this variant (Variation ID: 1747856). Variants that disrupt the consensus splice site are a relatively common cause of aberrant splicing (PMID: 17576681, 9536098). Algorithms developed to predict the effect of sequence changes on RNA splicing suggest that this variant may create or strengthen a splice site. In summary, the available evidence is currently insufficient to determine the role of this variant in disease. Therefore, it has been classified as a Variant of Uncertain Significance.

Literature cited by the submitters: PubMed 17576681 (cited by Labcorp Genetics (formerly Invitae), Labcorp); PubMed 9536098 (cited by Labcorp Genetics (formerly Invitae), Labcorp).